The following is an entry in ClinVar:

ClinVar aggregate classification (germline): Benign (0 of 4 stars; one submission).

Conditions:
IGF2-related disorder. Also called: IGF2-related condition.

Allele frequency attached by ClinVar (database versions not stated): gnomAD exomes 0.00347; 1000 Genomes Project 0.03375; gnomAD 0.03462; ESP Exome Variant Server 0.03613; ExAC 0.01099; TOPMed 0.04020; 1000 Genomes Project 30x 0.03529.
gnomAD v4.1: 10,556 of 1,612,884 alleles (0.65%); highest among the groups gnomAD compares: African/African-American, 12%; 594 homozygotes.

Submission:

PreventionGenetics, part of Exact Sciences
Classification: Benign for IGF2-related condition. Last evaluated: 2019-07-08. Review status: no assertion criteria provided. Collection method: clinical testing. Allele origin: germline.
Comment: This variant is classified as benign based on ACMG/AMP sequence variant interpretation guidelines (Richards et al. 2015 PMID: 25741868, with internal and published modifications).

NM_001127598.3(IGF2):c.39C>G (p.Pro13=)

Genes: IGF2 (insulin like growth factor 2; minus strand), INS-IGF2 (INS-IGF2 readthrough; minus strand). Cytogenetic location: 11p15.5.
Variant type: single nucleotide variant.
Coding change: c.39C>G on transcript NM_001127598.3; coding-DNA position 39, C replaced by G.
Protein change: p.Pro13=; no amino-acid change (proline 13 retained).
Molecular consequence: synonymous variant. On other transcripts: intron variant (2).
Genome position (GRCh38, 1-based): chr11:2,140,258, G>C on the plus strand (C>G on the coding strand, the complement: IGF2 is on the minus strand). VCF-style: chr11-2140258-G-C. GRCh37 (hg19) VCF-style: chr11-2161488-G-C.
Other names: c.-6-4729C>G (NM_001007139.6); c.-7+599C>G (NM_001291862.3).
Identifiers: ClinVar variation 3057129 (VCV003057129.2), dbSNP rs80080270, ClinGen allele CA5817808.
Genomic context (GRCh38, chr11:2,140,258, plus strand): 5'-CTGGATAATGGTTACCCCGTCCTCAGTGCGTTGGACTTGCATAGACGCGAGTTCGGTCTC[G>C]GGGGCCACCACGATAATTTGGGGGTCTGGGGAAACCATCTCCTGGAGAGTTTGAACGATG-3'